The following is an entry in ClinVar:

ClinVar aggregate classification (germline): Conflicting classifications of pathogenicity. Review status: criteria provided, conflicting classifications (1 of 4 stars). 2 submissions from 2 submitters: Uncertain significance (1); Likely benign (1). Last evaluated 2023-11-18.

Conditions:
Inborn genetic diseases. Identifiers: MedGen C0950123, MeSH D030342.

Allele frequency attached by ClinVar (database versions not stated): gnomAD 0.00001; TOPMed 0.00001.
gnomAD v4.1: 1 of 1,613,976 alleles (0.000062%); highest among the groups gnomAD compares: Admixed American, 0.0017%; no homozygotes.

Submissions (2):

Ambry Genetics
Classification: Likely benign for Inborn genetic diseases. Last evaluated: 2023-11-18. Review status: criteria provided, single submitter. Criteria: Ambry Variant Classification Scheme 2023. Collection method: clinical testing. Allele origin: germline.

Labcorp Genetics (formerly Invitae), Labcorp
Classification: Uncertain significance. Last evaluated: 2022-08-15. Review status: criteria provided, single submitter. Criteria: Invitae Variant Classification Sherloc (09022015). Collection method: clinical testing. Allele origin: germline.
Comment: In summary, the available evidence is currently insufficient to determine the role of this variant in disease. Therefore, it has been classified as a Variant of Uncertain Significance. Algorithms developed to predict the effect of missense changes on protein structure and function output the following: SIFT: "Tolerated"; PolyPhen-2: "Benign"; Align-GVGD: "Class C0". The valine amino acid residue is found in multiple mammalian species, which suggests that this missense change does not adversely affect protein function. This sequence change replaces isoleucine, which is neutral and non-polar, with valine, which is neutral and non-polar, at codon 1120 of the IMPG2 protein (p.Ile1120Val). ClinVar contains an entry for this variant (Variation ID: 1365408). This variant has not been reported in the literature in individuals affected with IMPG2-related conditions. This variant is not present in population databases (gnomAD no frequency).

NM_016247.4(IMPG2):c.3358A>G (p.Ile1120Val)

Gene: IMPG2 (interphotoreceptor matrix proteoglycan 2; minus strand). Cytogenetic location: 3q12.3.
Variant type: single nucleotide variant.
Coding change: c.3358A>G on transcript NM_016247.4 (MANE Select); coding-DNA position 3358, A replaced by G.
Protein change: p.Ile1120Val; replaces isoleucine 1120 with valine.
Molecular consequence: missense variant.
Genome position (GRCh38, 1-based): chr3:101,231,021, T>C on the plus strand (A>G on the coding strand, the complement: IMPG2 is on the minus strand). VCF-style: chr3-101231021-T-C. GRCh37 (hg19) VCF-style: chr3-100949865-T-C.
Other names: c.3358A>G (NM_016247.3); short protein forms I1120V.
Identifiers: ClinVar variation 1365408 (VCV001365408.7), dbSNP rs1347287232, ClinGen allele CA353848473.
Genomic context (GRCh38, chr3:101,231,021, plus strand): 5'-AGGGACTCTCTCTTTCACTCCTGTCATGGTGTGCTTGGAGAGTCCTGATGAAGAAGTAGA[T>C]GATAGCAGAAAAGATGACAAGAAGTCCAACCACGGAGGCAATAGTGATGCCTATGATCAC-3'
Protein context (NP_057331.2, residues 1110-1130): VGLLVIFSAI[Ile1120Val]YFFIRTLQAH